The following is an entry in ClinVar:

NM_000203.5(IDUA):c.1550C>T (p.Pro517Leu)

Gene: IDUA (alpha-L-iduronidase; plus strand). Cytogenetic location: 4p16.3.
Variant type: single nucleotide variant.
Coding change: c.1550C>T on transcript NM_000203.5 (MANE Select); coding-DNA position 1550, C replaced by T.
Protein change: p.Pro517Leu; replaces proline 517 with leucine.
Molecular consequence: missense variant. On other transcripts: non-coding transcript variant (1).
Genome position (GRCh38, 1-based): chr4:1,003,370, C>T. VCF-style: chr4-1003370-C-T. GRCh37 (hg19) VCF-style: chr4-997158-C-T.
Other names: c.1154C>T, p.Pro385Leu (NM_001363576.1); short protein forms P517L, P385L.
Identifiers: ClinVar variation 1477943 (VCV001477943.3), dbSNP rs1051249739, ClinGen allele CA355964945.

ClinVar aggregate classification (germline): Uncertain significance (1 of 4 stars; one submission).

Conditions:
Mucopolysaccharidosis type 1. Also called: IDUA deficiency; MPS I. Identifiers: Orphanet 579, MedGen C0023786, MONDO:0001586.

Submission:

Labcorp Genetics (formerly Invitae), Labcorp
Classification: Uncertain significance for Mucopolysaccharidosis type 1. Last evaluated: 2021-11-23. Review status: criteria provided, single submitter. Criteria: Invitae Variant Classification Sherloc (09022015). Collection method: clinical testing. Allele origin: germline.
Comment: This sequence change replaces proline, which is neutral and non-polar, with leucine, which is neutral and non-polar, at codon 517 of the IDUA protein (p.Pro517Leu). This variant is not present in population databases (gnomAD no frequency). This variant has not been reported in the literature in individuals affected with IDUA-related conditions. Algorithms developed to predict the effect of missense changes on protein structure and function (SIFT, PolyPhen-2, Align-GVGD) all suggest that this variant is likely to be tolerated. In summary, the available evidence is currently insufficient to determine the role of this variant in disease. Therefore, it has been classified as a Variant of Uncertain Significance.